The following is an entry in ClinVar:

ClinVar aggregate classification (germline): Uncertain significance. Review status: criteria provided, multiple submitters, no conflicts (2 of 4 stars). 4 submissions from 4 submitters: Uncertain significance (3). 1 of the submissions does not count toward it. Last evaluated 2025-07-30.

Conditions:
Creatine deficiency syndrome 1.
Creatine transporter deficiency (CCDS1). Also called: Creatine Transporter (CRTR) Deficiency; Mental retardation , X-linked with seizures, short stature and midface hypoplasia; Mental retardation , X-linked, with creatine transport deficiency; X-linked creatine transporter deficiency; X-linked creatine deficiency syndrome; SLC6A8-Related Creatine Transporter Deficiency. Identifiers: Orphanet 52503, MedGen C1845862, MONDO:0010305, OMIM 300352.

Allele frequency attached by ClinVar (database versions not stated): gnomAD exomes below 0.00001; gnomAD 0.00002; TOPMed 0.00002.
gnomAD v4.1: 3 of 1,184,770 alleles (0.00025%); highest among the groups gnomAD compares: African/African-American, 0.0053%; no homozygotes.

Submissions (4):

Labcorp Genetics (formerly Invitae), Labcorp
Classification: Uncertain significance for Creatine transporter deficiency. Last evaluated: 2025-07-30. Review status: criteria provided, single submitter. Criteria: Invitae Variant Classification Sherloc (09022015). Collection method: clinical testing. Allele origin: germline.
Comment: This sequence change affects codon 589 of the SLC6A8 mRNA. It is a 'silent' change, meaning that it does not change the encoded amino acid sequence of the SLC6A8 protein. This variant also falls at the last nucleotide of exon 12, which is part of the consensus splice site for this exon. This variant is not present in population databases (gnomAD no frequency). This variant has not been reported in the literature in individuals affected with SLC6A8-related conditions. ClinVar contains an entry for this variant (Variation ID: 430005). Variants that disrupt the consensus splice site are a relatively common cause of aberrant splicing (PMID: 17576681, 9536098). Algorithms developed to predict the effect of sequence changes on RNA splicing suggest that this variant is not likely to affect RNA splicing. In summary, the available evidence is currently insufficient to determine the role of this variant in disease. Therefore, it has been classified as a Variant of Uncertain Significance.

Pittsburgh Clinical Genomics Laboratory, University of Pittsburgh Medical Center
Classification: Uncertain significance for Creatine transporter deficiency. Last evaluated: 2023-04-07. Review status: criteria provided, single submitter. Criteria: ACMG Guidelines, 2015. Collection method: clinical testing. Allele origin: germline. Inheritance: X-linked recessive inheritance. Affected: yes.
Comment: This sequence variant is a single nucleotide substitution (G>A) at coding position 1767 of the SLC6A8 gene. Though this variant is a synonymous change which does not alter the encoded amino acid, coding position 1767 is the fil base in exon 12 and, as such, disrupts the 5’ splice site consensus motif for intron 12. This is a previously reported variant (ClinVar) that has not been observed in an individual with a SLC6A8-related disorder in the published literature, to our knowledge. This variant is absent from the gnomAD population database (0 of approximately 120,000 alleles). Multiple bioinformatic tools predict that this G to A substitution would disrupt splicing, and the G nucleotide is strongly conserved across the vertebrate species examined. Studies examining the functiol consequence of this variant have not been published, to our knowledge. At this time, there is insufficient evidence to determine if this variant is pathogenic or benign. Therefore, we consider this a variant of uncertain significance. ACMG Criteria: PM2, PP3

GeneDx
Classification: Uncertain significance. Last evaluated: 2019-06-13. Review status: criteria provided, single submitter. Criteria: GeneDx Variant Classification Process June 2021. Collection method: clinical testing. Allele origin: germline. Affected: yes.
Comment: Not observed in large population cohorts (Lek et al., 2016); Has not been previously published as pathogenic or benign to our knowledge; In-silico analysis, which includes splice predictors and evolutionary conservation, is inconclusive as to whether the variant alters gene splicing. In the absence of RNA/functional studies, the actual effect of this sequence change is unknown.

Natera, Inc.
Classification: Uncertain significance for Creatine deficiency syndrome 1. Last evaluated: 2020-09-16. Review status: no assertion criteria provided. Collection method: clinical testing. Allele origin: germline. Not counted in ClinVar's aggregate classification.

Literature cited by the submitters: PubMed 17576681 (cited by Labcorp Genetics (formerly Invitae), Labcorp); PubMed 9536098 (cited by Labcorp Genetics (formerly Invitae), Labcorp).

NM_005629.4(SLC6A8):c.1767G>A (p.Glu589=)

Gene: SLC6A8 (solute carrier family 6 member 8; plus strand). Cytogenetic location: Xq28.
Variant type: single nucleotide variant.
Coding change: c.1767G>A on transcript NM_005629.4 (MANE Select); coding-DNA position 1767, G replaced by A.
Protein change: p.Glu589=; no amino-acid change (glutamic acid 589 retained).
Molecular consequence: synonymous variant.
Genome position (GRCh38, 1-based): chrX:153,694,889, G>A. VCF-style: chrX-153694889-G-A. GRCh37 (hg19) VCF-style: chrX-152960344-G-A.
Other names: c.1737G>A, p.Glu579= (NM_001142805.2); c.1422G>A, p.Glu474= (NM_001142806.1).
Identifiers: ClinVar variation 430005 (VCV000430005.9), dbSNP rs1131691726, ClinGen allele CA519345088.
Genomic context (GRCh38, chrX:153,694,889, plus strand): 5'-GCTGTGCGTGCCGCTGCACCTCCTGGGCTGCCTCCTCAGGGCCAAGGGCACCATGGCTGA[G>A]GTAAGGCTCCCGCCCGGCCCGCCCTCCCCTCCCCTGCTGTGAACATTCAACCCAGCCTGC-3'
Protein context (NP_005620.1, residues 579-599): CLLRAKGTMA[Glu589=]RWQHLTQPIW